The following is an entry in ClinVar:

ClinVar aggregate classification (germline): Uncertain significance (1 of 4 stars; one submission).

Conditions:
Hereditary cancer-predisposing syndrome. Also called: Hereditary neoplastic syndrome; Neoplastic Syndromes, Hereditary; Tumor predisposition; Hereditary Cancer Syndrome. Identifiers: Orphanet 140162, MedGen C0027672, MeSH D009386, MONDO:0015356.

Submission:

Ambry Genetics
Classification: Uncertain significance for Hereditary cancer-predisposing syndrome. Last evaluated: 2025-06-19. Review status: criteria provided, single submitter. Criteria: Ambry Variant Classification Scheme 2023. Collection method: clinical testing. Allele origin: germline.
Comment: The c.915C>T variant (also known as p.Y305Y), located in coding exon 10 of the POLE gene, results from a C to T substitution at nucleotide position 915. This nucleotide substitution does not change the tyrosine at codon 305. This nucleotide position is well conserved in available vertebrate species. In silico splice site analysis for this alteration is inconclusive. Based on the available evidence, the clinical significance of this variant remains unclear.

NM_006231.4(POLE):c.915C>T (p.Tyr305=)

Gene: POLE (DNA polymerase epsilon, catalytic subunit; minus strand). Cytogenetic location: 12q24.33.
Variant type: single nucleotide variant.
Coding change: c.915C>T on transcript NM_006231.4 (MANE Select); coding-DNA position 915, C replaced by T.
Protein change: p.Tyr305=; no amino-acid change (tyrosine 305 retained).
Molecular consequence: synonymous variant.
Genome position (GRCh38, 1-based): chr12:132,676,199, G>A on the plus strand (C>T on the coding strand, the complement: POLE is on the minus strand). VCF-style: chr12-132676199-G-A. GRCh37 (hg19) VCF-style: chr12-133252785-G-A.
Identifiers: ClinVar variation 4141117 (VCV004141117.1).